The following is an entry in ClinVar:

NM_001113378.2(FANCI):c.3637A>G (p.Ile1213Val)

Gene: FANCI (FA complementation group I; plus strand). Cytogenetic location: 15q26.1.
Variant type: single nucleotide variant.
Coding change: c.3637A>G on transcript NM_001113378.2 (MANE Select); coding-DNA position 3637, A replaced by G.
Protein change: p.Ile1213Val; replaces isoleucine 1213 with valine.
Molecular consequence: missense variant.
Genome position (GRCh38, 1-based): chr15:89,307,658, A>G. VCF-style: chr15-89307658-A-G. GRCh37 (hg19) VCF-style: chr15-89850889-A-G.
Other names: c.3358A>G, p.Ile1120Val (NM_001376910.1); c.3637A>G, p.Ile1213Val (NM_001376911.1); c.3457A>G, p.Ile1153Val (NM_018193.3); short protein forms I1120V, I1153V, I1213V.
Identifiers: ClinVar variation 948809 (VCV000948809.10), dbSNP rs767466504, ClinGen allele CA274527270.
Genomic context (GRCh38, chr15:89,307,658, plus strand): 5'-TCCCTTGTTGTGCAGGTGAAGCTGTCTGGTTCTCATCTGACCCCCCTGTGTTATTCTTTC[A>G]TTTCTTACGTACAGGTAAGAGATTCAGAGGCAGTACCCAATAGGTCTTCAAGAAAGGATT-3'
Protein context (NP_001106849.1, residues 1203-1223): SHLTPLCYSF[Ile1213Val]SYVQNKSKSL

ClinVar aggregate classification (germline): Uncertain significance. Review status: criteria provided, multiple submitters, no conflicts (2 of 4 stars). 2 submissions from 2 submitters: Uncertain significance (2). Last evaluated 2025-04-30.

Conditions:
Fanconi anemia (FA). Also called: Fanconi's anemia. Identifiers: Orphanet 84, MedGen C0015625, MeSH D005199, MONDO:0019391.
Fanconi anemia complementation group I (FANCI). Also called: FANCI-Related Fanconi Anemia. Identifiers: Orphanet 84, MedGen C1836861, MONDO:0012186, OMIM 609053.

Allele frequency attached by ClinVar (database versions not stated): gnomAD exomes below 0.00001 and 0.00001.
gnomAD v4.1: 9 of 1,614,070 alleles (0.00056%); highest among the groups gnomAD compares: Non-Finnish European, 0.00076%; no homozygotes.

Submissions (2):

Labcorp Genetics (formerly Invitae), Labcorp
Classification: Uncertain significance for Fanconi anemia. Last evaluated: 2025-04-30. Review status: criteria provided, single submitter. Criteria: Invitae Variant Classification Sherloc (09022015). Collection method: clinical testing. Allele origin: germline.
Comment: This sequence change replaces isoleucine, which is neutral and non-polar, with valine, which is neutral and non-polar, at codon 1213 of the FANCI protein (p.Ile1213Val). This variant is present in population databases (rs767466504, gnomAD 0.0009%). This variant has not been reported in the literature in individuals affected with FANCI-related conditions. ClinVar contains an entry for this variant (Variation ID: 948809). Invitae Evidence Modeling of protein sequence and biophysical properties (such as structural, functional, and spatial information, amino acid conservation, physicochemical variation, residue mobility, and thermodynamic stability) has been performed for this missense variant. However, the output from this modeling did not meet the statistical confidence thresholds required to predict the impact of this variant on FANCI protein function. In summary, the available evidence is currently insufficient to determine the role of this variant in disease. Therefore, it has been classified as a Variant of Uncertain Significance.

Fulgent Genetics
Classification: Uncertain significance for Fanconi anemia complementation group I. Last evaluated: 2021-10-13. Review status: criteria provided, single submitter. Criteria: ACMG Guidelines, 2015. Collection method: clinical testing. Allele origin: unknown.